The following is an entry in ClinVar:

NM_001006658.3(CR2):c.556G>A (p.Gly186Ser)

Gene: CR2 (complement C3d receptor 2; plus strand). Cytogenetic location: 1q32.2.
Variant type: single nucleotide variant.
Coding change: c.556G>A on transcript NM_001006658.3 (MANE Select); coding-DNA position 556, G replaced by A.
Protein change: p.Gly186Ser; replaces glycine 186 with serine.
Molecular consequence: missense variant.
Genome position (GRCh38, 1-based): chr1:207,468,637, G>A. VCF-style: chr1-207468637-G-A. GRCh37 (hg19) VCF-style: chr1-207641982-G-A.
Other names: c.556G>A, p.Gly186Ser (NM_001877.5); short protein forms G186S.
Identifiers: ClinVar variation 1063953 (VCV001063953.9), dbSNP rs1435094750, ClinGen allele CA344525920.

ClinVar aggregate classification (germline): Uncertain significance (1 of 4 stars; one submission).

Conditions:
Immunodeficiency, common variable, 7. Identifiers: Orphanet 1572, Orphanet 696894, MedGen C3542922, MONDO:0013862, OMIM 614699.

Allele frequency attached by ClinVar (database versions not stated): gnomAD 0.00001; TOPMed 0.00001.
gnomAD v4.1: 3 of 1,613,886 alleles (0.00019%); highest among the groups gnomAD compares: Non-Finnish European, 0.00025%; no homozygotes.

Submission:

Labcorp Genetics (formerly Invitae), Labcorp
Classification: Uncertain significance for Immunodeficiency, common variable, 7. Last evaluated: 2020-05-21. Review status: criteria provided, single submitter. Criteria: Invitae Variant Classification Sherloc (09022015). Collection method: clinical testing. Allele origin: germline.
Comment: This sequence change replaces glycine with serine at codon 186 of the CR2 protein (p.Gly186Ser). The glycine residue is highly conserved and there is a small physicochemical difference between glycine and serine. In summary, the available evidence is currently insufficient to determine the role of this variant in disease. Therefore, it has been classified as a Variant of Uncertain Significance. Algorithms developed to predict the effect of missense changes on protein structure and function (SIFT, PolyPhen-2, Align-GVGD) all suggest that this variant is likely to be disruptive, but these predictions have not been confirmed by published functional studies and their clinical significance is uncertain. This variant has not been reported in the literature in individuals with CR2-related conditions. This variant is not present in population databases (ExAC no frequency).